The following is an entry in ClinVar:

ClinVar aggregate classification (germline): Uncertain significance (1 of 4 stars; one submission).

Allele frequency attached by ClinVar (database versions not stated): gnomAD 0.00001; gnomAD exomes 0.00001; TOPMed 0.00001.
gnomAD v4.1: 10 of 1,613,678 alleles (0.00062%); highest among the groups gnomAD compares: Non-Finnish European, 0.00085%; no homozygotes.

Submission:

GeneDx
Classification: Uncertain significance. Last evaluated: 2024-08-15. Review status: criteria provided, single submitter. Criteria: GeneDx Variant Classification Process June 2021. Collection method: clinical testing. Allele origin: germline. Affected: yes.
Comment: Not observed at significant frequency in large population cohorts (gnomAD); In silico analysis supports that this missense variant has a deleterious effect on protein structure/function; Has not been previously published as pathogenic or benign to our knowledge

NM_138477.4(CDAN1):c.1379A>G (p.Tyr460Cys)

Gene: CDAN1 (codanin 1; minus strand). Cytogenetic location: 15q15.2.
Variant type: single nucleotide variant.
Coding change: c.1379A>G on transcript NM_138477.4 (MANE Select); coding-DNA position 1379, A replaced by G.
Protein change: p.Tyr460Cys; replaces tyrosine 460 with cysteine.
Molecular consequence: missense variant.
Genome position (GRCh38, 1-based): chr15:42,733,175, T>C on the plus strand (A>G on the coding strand, the complement: CDAN1 is on the minus strand). VCF-style: chr15-42733175-T-C. GRCh37 (hg19) VCF-style: chr15-43025373-T-C.
Other names: short protein forms Y460C.
Identifiers: ClinVar variation 2578119 (VCV002578119.2), dbSNP rs1259784009, ClinGen allele CA392049079.